The following is an entry in ClinVar:

NM_000170.3(GLDC):c.2573A>C (p.Tyr858Ser)

Gene: GLDC (glycine decarboxylase; minus strand). Cytogenetic location: 9p24.1.
Variant type: single nucleotide variant.
Coding change: c.2573A>C on transcript NM_000170.3 (MANE Select); coding-DNA position 2573, A replaced by C.
Protein change: p.Tyr858Ser; replaces tyrosine 858 with serine.
Molecular consequence: missense variant.
Genome position (GRCh38, 1-based): chr9:6,540,143, T>G on the plus strand (A>C on the coding strand, the complement: GLDC is on the minus strand). VCF-style: chr9-6540143-T-G. GRCh37 (hg19) VCF-style: chr9-6540143-T-G.
Other names: short protein forms Y858S.
Identifiers: ClinVar variation 2199351 (VCV002199351.1), dbSNP rs760349866, ClinGen allele CA4980146.

ClinVar aggregate classification (germline): Uncertain significance (1 of 4 stars; one submission).

Conditions:
Glycine encephalopathy. Also called: Nonketotic hyperglycinemia; Non-ketotic hyperglycinemia. Identifiers: Orphanet 407, MedGen C0751748, MONDO:0011612, HP:0008288.

Allele frequency attached by ClinVar (database versions not stated): ExAC 0.00001; gnomAD 0.00001.
gnomAD v4.1: 13 of 1,603,534 alleles (0.00081%); highest among the groups gnomAD compares: Admixed American, 0.0017%; no homozygotes.

Submission:

Labcorp Genetics (formerly Invitae), Labcorp
Classification: Uncertain significance for Glycine encephalopathy. Last evaluated: 2022-07-11. Review status: criteria provided, single submitter. Criteria: Invitae Variant Classification Sherloc (09022015). Collection method: clinical testing. Allele origin: germline.
Comment: This sequence change replaces tyrosine, which is neutral and polar, with serine, which is neutral and polar, at codon 858 of the GLDC protein (p.Tyr858Ser). This variant is present in population databases (rs760349866, gnomAD 0.003%). This variant has not been reported in the literature in individuals affected with GLDC-related conditions. Advanced modeling of protein sequence and biophysical properties (such as structural, functional, and spatial information, amino acid conservation, physicochemical variation, residue mobility, and thermodynamic stability) performed at Invitae indicates that this missense variant is not expected to disrupt GLDC protein function. In summary, the available evidence is currently insufficient to determine the role of this variant in disease. Therefore, it has been classified as a Variant of Uncertain Significance.